The following is an entry in ClinVar:

ClinVar aggregate classification (germline): Likely pathogenic (1 of 4 stars; one submission).

Conditions:
Charcot-Marie-Tooth disease axonal type 2S. Also called: CHARCOT-MARIE-TOOTH DISEASE, AXONAL, AUTOSOMAL RECESSIVE, TYPE 2S; CHARCOT-MARIE-TOOTH NEUROPATHY, TYPE 2S. Identifiers: Orphanet 443073, MedGen C4015349, MONDO:0014511, OMIM 616155.
Autosomal recessive distal spinal muscular atrophy 1. Also called: HMN VI; NEURONOPATHY, SEVERE INFANTILE AXONAL, WITH RESPIRATORY FAILURE; SEVERE INFANTILE AXONAL NEUROPATHY WITH RESPIRATORY FAILURE; NEURONOPATHY, DISTAL HEREDITARY MOTOR, HARDING TYPE VI; NEUROPATHY, DISTAL HEREDITARY MOTOR, AUTOSOMAL RECESSIVE 1; SPINAL MUSCULAR ATROPHY, DIAPHRAGMATIC. Identifiers: Orphanet 98920, MedGen C1858517, MONDO:0011436, OMIM 604320.

Submission:

Labcorp Genetics (formerly Invitae), Labcorp
Classification: Likely pathogenic for Autosomal recessive distal spinal muscular atrophy 1; Charcot-Marie-Tooth disease axonal type 2S. Last evaluated: 2020-01-15. Review status: criteria provided, single submitter. Criteria: Invitae Variant Classification Sherloc (09022015). Collection method: clinical testing. Allele origin: germline.
Comment: Donor and acceptor splice site variants typically lead to a loss of protein function (PMID: 16199547), and loss-of-function variants in IGHMBP2 are known to be pathogenic (PMID: 14681881, 25439726, 25568292). This variant has not been reported in the literature in individuals with IGHMBP2-related disease. This variant is not present in population databases (ExAC no frequency). This sequence change affects an acceptor splice site in intron 2 of the IGHMBP2 gene. It is expected to disrupt RNA splicing and likely results in an absent or disrupted protein product. In summary, the currently available evidence indicates that the variant is pathogenic, but additional data are needed to prove that conclusively. Therefore, this variant has been classified as Likely Pathogenic.

Literature cited by the submitters: PubMed 16199547; PubMed 14681881; PubMed 25439726; PubMed 25568292.

NM_002180.3(IGHMBP2):c.257-2A>G

Gene: IGHMBP2 (immunoglobulin mu DNA binding protein 2; plus strand). Cytogenetic location: 11q13.3.
Variant type: single nucleotide variant.
Coding change: c.257-2A>G on transcript NM_002180.3 (MANE Select); the canonical splice acceptor site of the intron before coding-DNA position 257, A replaced by G.
Molecular consequence: splice acceptor variant.
Genome position (GRCh38, 1-based): chr11:68,908,143, A>G. VCF-style: chr11-68908143-A-G. GRCh37 (hg19) VCF-style: chr11-68675611-A-G.
Identifiers: ClinVar variation 580622 (VCV000580622.9), dbSNP rs1566424655, ClinGen allele CA381642994.